The following is an entry in ClinVar:

ClinVar aggregate classification (germline): Uncertain significance. Review status: criteria provided, multiple submitters, no conflicts (2 of 4 stars). 2 submissions from 2 submitters: Uncertain significance (2). Last evaluated 2023-11-13.

Conditions:
Cardiovascular phenotype. Identifiers: MedGen CN230736.

Allele frequency attached by ClinVar (database versions not stated): gnomAD 0.00001; gnomAD exomes 0.00002; TOPMed 0.00002.
gnomAD v4.1: 24 of 1,613,816 alleles (0.0015%); highest among the groups gnomAD compares: Non-Finnish European, 0.002%; no homozygotes.

Submissions (2):

GeneDx
Classification: Uncertain significance. Last evaluated: 2023-11-13. Review status: criteria provided, single submitter. Criteria: GeneDx Variant Classification Process June 2021. Collection method: clinical testing. Allele origin: germline. Affected: yes.
Comment: Not observed at significant frequency in large population cohorts (gnomAD); Missense variant in a gene in which most reported pathogenic variants are truncating/loss of function; Has not been previously published as pathogenic or benign to our knowledge

Ambry Genetics
Classification: Uncertain significance for Cardiovascular phenotype. Last evaluated: 2020-08-20. Review status: criteria provided, single submitter. Criteria: Ambry Variant Classification Scheme 2023. Collection method: clinical testing. Allele origin: germline.
Comment: The p.I1470T variant (also known as c.4409T>C), located in coding exon 24 of the TTN gene, results from a T to C substitution at nucleotide position 4409. The isoleucine at codon 1470 is replaced by threonine, an amino acid with similar properties. This amino acid position is highly conserved in available vertebrate species. In addition, the in silico prediction for this alteration is inconclusive. Since supporting evidence is limited at this time, the clinical significance of this alteration remains unclear.

NM_001267550.2(TTN):c.4547T>C (p.Ile1516Thr)

Genes: TTN (titin; minus strand), LOC101927055 (uncharacterized LOC101927055; plus strand). Cytogenetic location: 2q31.2.
Variant type: single nucleotide variant.
Coding change: c.4547T>C on transcript NM_001267550.2 (MANE Select); coding-DNA position 4547, T replaced by C.
Protein change: p.Ile1516Thr; replaces isoleucine 1516 with threonine.
Molecular consequence: missense variant. On other transcripts: non-coding transcript variant (1).
Genome position (GRCh38, 1-based): chr2:178,777,518, A>G on the plus strand (T>C on the coding strand, the complement: TTN is on the minus strand). VCF-style: chr2-178777518-A-G. GRCh37 (hg19) VCF-style: chr2-179642245-A-G.
Other names: c.4547T>C, p.Ile1516Thr (NM_001256850.1, NM_133378.4, NM_133379.5); c.4409T>C, p.Ile1470Thr (NM_003319.4, NM_133432.3, NM_133437.4); short protein forms I1516T, I1470T.
Identifiers: ClinVar variation 1740372 (VCV001740372.3), dbSNP rs1464496143, ClinGen allele CA349466924.
Genomic context (GRCh38, chr2:178,777,518, plus strand): 5'-GCCCTGTTTTGGGCAACCACAGTCCATTCCCCAGAATCACTGGGTGTGGCAGGGACAATA[A>G]TTAGTGATTGAGTACCATCTTCTTTAATGACTACTTTATGGGTATAGTCATTGACAATTT-3'
Protein context (NP_001254479.2, residues 1506-1526): VIKEDGTQSL[Ile1516Thr]IVPATPSDSG